The following is an entry in ClinVar:

NM_006074.5(TRIM22):c.750+73C>T

Gene: TRIM22 (tripartite motif containing 22; plus strand). Cytogenetic location: 11p15.4.
Variant type: single nucleotide variant.
Coding change: c.750+73C>T on transcript NM_006074.5 (MANE Select); 73 bases into the intron after coding-DNA position 750, C replaced by T.
Molecular consequence: intron variant.
Genome position (GRCh38, 1-based): chr11:5,698,618, C>T. VCF-style: chr11-5698618-C-T. GRCh37 (hg19) VCF-style: chr11-5719848-C-T.
Other names: c.738+73C>T (NM_001199573.2).
Identifiers: ClinVar variation 2687999 (VCV002687999.2), dbSNP rs7950912, ClinGen allele CA13436430.

ClinVar aggregate classification (germline): Benign (1 of 4 stars; one submission).

Allele frequency attached by ClinVar (database versions not stated): gnomAD exomes 0.60642; gnomAD 0.69263; TOPMed 0.70431; 1000 Genomes Project 0.78994; 1000 Genomes Project 30x 0.79122.

Submission:

Unidad de Genómica Garrahan, Hospital de Pediatría Garrahan
Classification: Benign. Last evaluated: 2024-01-24. Review status: criteria provided, single submitter. Criteria: ACMG Guidelines, 2015. Collection method: clinical testing. Allele origin: germline. Affected: no. Observed: 70 variant alleles.
Comment: This variant is classified as Benign based on local population frequency. This variant was detected in 74% of patients studied by a panel of primary immunodeficiencies. Number of patients: 70. Only high quality variants are reported.